The following is an entry in ClinVar:

NM_198253.3(TERT):c.1685_1686del (p.Tyr562fs)

Gene: TERT (telomerase reverse transcriptase; minus strand). Cytogenetic location: 5p15.33.
Variant type: Deletion.
Coding change: c.1685_1686del on transcript NM_198253.3 (MANE Select); coding-DNA positions 1685 to 1686, 2 bases deleted (AT; older notation c.1685_1686delAT).
Protein change: p.Tyr562fs; shifts the reading frame from tyrosine 562.
Molecular consequence: frameshift variant. On other transcripts: non-coding transcript variant (2).
Genome position (GRCh38, 1-based): chr5:1,282,512-1,282,513, AT deleted on the plus strand (AT on the coding strand, the reverse complement: TERT is on the minus strand); deleting any 2 consecutive bases within chr5:1,282,512-1,282,514 gives the same sequence; the c. name uses the placement nearest the transcript's 3' end. VCF-style (leftmost placement, unchanged base first): chr5-1282511-CAT-C. GRCh37 (hg19) VCF-style: chr5-1282626-CAT-C.
Other names: c.1685_1686del, p.Tyr562fs (NM_001193376.3); c.1685_1686delAT (NM_198253.2); short protein forms Y562fs.
Identifiers: ClinVar variation 664605 (VCV000664605.7), dbSNP rs1579580058, ClinGen allele CA915943246.

ClinVar aggregate classification (germline): Pathogenic (1 of 4 stars; one submission).

Conditions:
Idiopathic Pulmonary Fibrosis. Also called: Idiopathic fibrosing alveolitis, chronic form; idiopathic fibrosing alveolitis. Identifiers: Orphanet 2032, MedGen C1800706, MeSH D054990, MONDO:0800504.
Dyskeratosis congenita, autosomal dominant 2. Identifiers: MedGen C3151443, MONDO:0013521, OMIM 613989.

Submission:

Labcorp Genetics (formerly Invitae), Labcorp
Classification: Pathogenic for Dyskeratosis congenita, autosomal dominant 2; Idiopathic Pulmonary Fibrosis. Last evaluated: 2018-08-15. Review status: criteria provided, single submitter. Criteria: Invitae Variant Classification Sherloc (09022015). Collection method: clinical testing. Allele origin: germline.
Comment: This sequence change creates a premature translational stop signal (p.Tyr562Cysfs*66) in the TERT gene. It is expected to result in an absent or disrupted protein product. This variant is not present in population databases (ExAC no frequency). This variant has not been reported in the literature in individuals with TERT-related disease. Loss-of-function variants in TERT are known to be pathogenic (PMID: 16247010, 17460043). For these reasons, this variant has been classified as Pathogenic.

Literature cited by the submitters: PubMed 16247010; PubMed 17460043.